The following is an entry in ClinVar:

ClinVar aggregate classification (germline): Uncertain significance. Review status: criteria provided, multiple submitters, no conflicts (2 of 4 stars). 2 submissions from 2 submitters: Uncertain significance (2). Last evaluated 2025-06-28.

Conditions:
Cardiovascular phenotype. Identifiers: MedGen CN230736.
Hereditary cancer-predisposing syndrome. Also called: Neoplastic Syndromes, Hereditary; Hereditary Cancer Syndrome; Tumor predisposition; Hereditary neoplastic syndrome. Identifiers: Orphanet 140162, MedGen C0027672, MeSH D009386, MONDO:0015356.

gnomAD v4.1: 2 of 1,610,234 alleles (0.00012%); highest among the groups gnomAD compares: Non-Finnish European, 0.00017%; no homozygotes.

Submissions (2):

Ambry Genetics
Classification: Uncertain significance for Cardiovascular phenotype; Hereditary cancer-predisposing syndrome. Last evaluated: 2025-06-28. Review status: criteria provided, single submitter. Criteria: Ambry Variant Classification Scheme 2023. Collection method: clinical testing. Allele origin: germline.
Comment: The p.M400R variant (also known as c.1199T>G), located in coding exon 11 of the LZTR1 gene, results from a T to G substitution at nucleotide position 1199. The methionine at codon 400 is replaced by arginine, an amino acid with similar properties. This variant has been reported in a patient with schwannomatosis (Paganini I et al. Eur J Hum Genet, 2015 Jul;23:963-8). This nucleotide position is highly conserved in available vertebrate species. In silico splice site analysis predicts that this alteration will result in the creation or strengthening of a novel splice donor site. RNA studies have demonstrated that this alteration results in a splice defect; the clinical impact of this abnormal splicing is unknown at this time (Ambry internal data). This amino acid position is highly conserved in available vertebrate species. In addition, as a missense substitution this alteration is predicted to be deleterious by in silico analysis. Based on the available evidence, the clinical significance of this variant remains unclear.

Labcorp Genetics (formerly Invitae), Labcorp
Classification: Uncertain significance. Last evaluated: 2022-08-28. Review status: criteria provided, single submitter. Criteria: Invitae Variant Classification Sherloc (09022015). Collection method: clinical testing. Allele origin: germline.
Comment: In summary, the available evidence is currently insufficient to determine the role of this variant in disease. Therefore, it has been classified as a Variant of Uncertain Significance. Algorithms developed to predict the effect of sequence changes on RNA splicing suggest that this variant may disrupt the consensus splice site. Experimental studies have shown that this missense change affects LZTR1 function (PMID: 30481304). Algorithms developed to predict the effect of missense changes on protein structure and function (SIFT, PolyPhen-2, Align-GVGD) all suggest that this variant is likely to be disruptive. This missense change has been observed in individual(s) with clinical features of schwannomatosis (PMID: 25335493). This variant is not present in population databases (gnomAD no frequency). This sequence change replaces methionine, which is neutral and non-polar, with arginine, which is basic and polar, at codon 400 of the LZTR1 protein (p.Met400Arg).

Literature cited by the submitters: PubMed 25335493 (cited by Ambry Genetics and Labcorp Genetics (formerly Invitae), Labcorp); PubMed 30481304 (cited by Ambry Genetics and Labcorp Genetics (formerly Invitae), Labcorp); PubMed 36445254 (cited by Ambry Genetics).

NM_006767.4(LZTR1):c.1199T>G (p.Met400Arg)

Gene: LZTR1 (leucine zipper like post translational regulator 1; plus strand). Cytogenetic location: 22q11.21.
Variant type: single nucleotide variant.
Coding change: c.1199T>G on transcript NM_006767.4 (MANE Select); coding-DNA position 1199, T replaced by G.
Protein change: p.Met400Arg; replaces methionine 400 with arginine.
Molecular consequence: missense variant.
Genome position (GRCh38, 1-based): chr22:20,992,843, T>G. VCF-style: chr22-20992843-T-G. GRCh37 (hg19) VCF-style: chr22-21347132-T-G.
Other names: c.1199T>G (NM_006767.3); short protein forms M400R.
Identifiers: ClinVar variation 2138418 (VCV002138418.6), dbSNP rs1468533120, ClinGen allele CA410773853.
Genomic context (GRCh38, chr22:20,992,843, plus strand): 5'-TTGTCCCCCAGCTGCCCAGTGGGAGGCTCTTCCACGCGGCTGCTGTCATCTCGGACGCCA[T>G]GTACATCTTCGGGGGCACGGTGGACAACAACATCCGCAGCGGGGAGATGTACAGGTTCCA-3'
Protein context (NP_006758.2, residues 390-410): FHAAAVISDA[Met400Arg]YIFGGTVDNN